The following is an entry in ClinVar:

NM_002691.4(POLD1):c.2829dup (p.Phe944fs)

Gene: POLD1 (DNA polymerase delta 1, catalytic subunit; plus strand). Cytogenetic location: 19q13.33.
Variant type: Duplication.
Coding change: c.2829dup on transcript NM_002691.4 (MANE Select); coding-DNA position 2829, one base duplicated (G; older notation c.2829dupG).
Protein change: p.Phe944fs; shifts the reading frame from phenylalanine 944.
Molecular consequence: frameshift variant. On other transcripts: non-coding transcript variant (1).
Genome position (GRCh38, 1-based): chr19:50,416,404, G duplicated. VCF-style (leftmost placement, unchanged base first): chr19-50416403-T-TG. GRCh37 (hg19) VCF-style: chr19-50919660-T-TG.
Other names: c.2829dup, p.Phe944fs (NM_001256849.1, NM_001438212.1, NM_001438213.1); c.2907dup, p.Phe970fs (NM_001308632.1); c.2757dup, p.Phe920fs (NM_001438210.1, NM_001438211.1); short protein forms F920fs, F970fs, F944fs.
Identifiers: ClinVar variation 5026975 (VCV005026975.1).

ClinVar aggregate classification (germline): Uncertain significance (1 of 4 stars; one submission).

Conditions:
Hereditary cancer-predisposing syndrome. Also called: Neoplastic Syndromes, Hereditary; Tumor predisposition; Hereditary neoplastic syndrome; Hereditary Cancer Syndrome. Identifiers: Orphanet 140162, MedGen C0027672, MeSH D009386, MONDO:0015356.

Submission:

Ambry Genetics
Classification: Uncertain significance for Hereditary cancer-predisposing syndrome. Last evaluated: 2026-06-23. Review status: criteria provided, single submitter. Criteria: Ambry Variant Classification Scheme 2023. Collection method: clinical testing. Allele origin: germline.
Comment: The c.2829dupG variant, located in coding exon 22 of the POLD1 gene, results from a duplication of G at nucleotide position 2829, causing a translational frameshift with a predicted alternate stop codon (p.F944Vfs*10). This alteration is expected to result in loss of function by premature protein truncation or nonsense-mediated mRNA decay. However, loss of function has not been established as a mechanism of disease. Based on the available evidence, the clinical significance of this variant remains unclear.